The following is an entry in ClinVar:

NM_031407.7(HUWE1):c.1875G>C (p.Gln625His)

Gene: HUWE1 (HECT, UBA and WWE domain containing E3 ubiquitin protein ligase 1; minus strand). Cytogenetic location: Xp11.22.
Variant type: single nucleotide variant.
Coding change: c.1875G>C on transcript NM_031407.7 (MANE Select); coding-DNA position 1875, G replaced by C.
Protein change: p.Gln625His; replaces glutamine 625 with histidine.
Molecular consequence: missense variant.
Genome position (GRCh38, 1-based): chrX:53,617,052, C>G on the plus strand (G>C on the coding strand, the complement: HUWE1 is on the minus strand). VCF-style: chrX-53617052-C-G. GRCh37 (hg19) VCF-style: chrX-53644013-C-G.
Other names: short protein forms Q625H.
Identifiers: ClinVar variation 2660633 (VCV002660633.24), dbSNP rs1557008069, ClinGen allele CA413147839.

ClinVar aggregate classification (germline): Likely benign (1 of 4 stars; one submission).

Submission:

CeGaT Center for Human Genetics Tuebingen
Classification: Likely benign. Last evaluated: 2023-02-01. Review status: criteria provided, single submitter. Criteria: CeGaT Center For Human Genetics Tuebingen Variant Classification Criteria Version 2. Collection method: clinical testing. Allele origin: germline. Affected: yes. Observed: 1 variant allele.
Comment: HUWE1: PM2, PP2, BS2